The following is an entry in ClinVar:

NM_004446.3(EPRS1):c.3972T>G (p.Ile1324Met)

Gene: EPRS1 (glutamyl-prolyl-tRNA synthetase 1; minus strand). Cytogenetic location: 1q41.
Variant type: single nucleotide variant.
Coding change: c.3972T>G on transcript NM_004446.3 (MANE Select); coding-DNA position 3972, T replaced by G.
Protein change: p.Ile1324Met; replaces isoleucine 1324 with methionine.
Molecular consequence: missense variant.
Genome position (GRCh38, 1-based): chr1:219,978,657, A>C on the plus strand (T>G on the coding strand, the complement: EPRS1 is on the minus strand). VCF-style: chr1-219978657-A-C. GRCh37 (hg19) VCF-style: chr1-220151999-A-C.
Other names: short protein forms I1324M.
Identifiers: ClinVar variation 1028245 (VCV001028245.11), dbSNP rs144577435, ClinGen allele CA1399536.

ClinVar aggregate classification (germline): Conflicting classifications of pathogenicity. Review status: criteria provided, conflicting classifications (1 of 4 stars). 5 submissions from 5 submitters: Uncertain significance (4); Likely benign (1). Last evaluated 2025-07-18.

Conditions:
Leukodystrophy, hypomyelinating, 15. Identifiers: MedGen C4693733, MONDO:0054782, OMIM 617951.
EPRS1-related disorder. Also called: EPRS1-related condition.
Inborn genetic diseases. Identifiers: MedGen C0950123, MeSH D030342.

Allele frequency attached by ClinVar (database versions not stated): 1000 Genomes Project 30x 0.00016; gnomAD exomes 0.00019 and 0.00044; 1000 Genomes Project 0.00020; ExAC 0.00020; gnomAD 0.00029; TOPMed 0.00036; ESP Exome Variant Server 0.00054.
gnomAD v4.1: 690 of 1,612,992 alleles (0.043%); highest among the groups gnomAD compares: Admixed American, 0.067%; 1 homozygote.

Submissions (5):

PreventionGenetics, part of Exact Sciences
Classification: Uncertain significance for EPRS1-related condition. Last evaluated: 2025-07-18. Review status: criteria provided, single submitter. Criteria: ACMG Guidelines, 2015. Collection method: clinical testing. Allele origin: germline.
Comment: The EPRS1 c.3972T>G variant is predicted to result in the amino acid substitution p.Ile1324Met. To our knowledge, this variant has not been reported in the literature. This variant is reported in 0.031% of alleles in individuals of Latino descent in gnomAD. At this time, the clinical significance of this variant is uncertain due to the absence of conclusive functional and genetic evidence.

Labcorp Genetics (formerly Invitae), Labcorp
Classification: Uncertain significance. Last evaluated: 2024-10-24. Review status: criteria provided, single submitter. Criteria: Invitae Variant Classification Sherloc (09022015). Collection method: clinical testing. Allele origin: germline.
Comment: This sequence change replaces isoleucine, which is neutral and non-polar, with methionine, which is neutral and non-polar, at codon 1324 of the EPRS protein (p.Ile1324Met). This variant is present in population databases (rs144577435, gnomAD 0.03%). This variant has not been reported in the literature in individuals affected with EPRS-related conditions. ClinVar contains an entry for this variant (Variation ID: 1028245). An algorithm developed to predict the effect of missense changes on protein structure and function outputs the following: PolyPhen-2: "Benign". The methionine amino acid residue is found in multiple mammalian species, which suggests that this missense change does not adversely affect protein function. In summary, the available evidence is currently insufficient to determine the role of this variant in disease. Therefore, it has been classified as a Variant of Uncertain Significance.

Blueprint Genetics
Classification: Likely benign. Last evaluated: 2024-09-02. Review status: criteria provided, single submitter. Criteria: ACMG Guidelines, 2015. Collection method: clinical testing. Allele origin: germline.

Ambry Genetics
Classification: Uncertain significance for Inborn genetic diseases. Last evaluated: 2024-05-10. Review status: criteria provided, single submitter. Criteria: Ambry Variant Classification Scheme 2023. Collection method: clinical testing. Allele origin: germline.

Baylor Genetics
Classification: Uncertain significance for Leukodystrophy, hypomyelinating, 15. Last evaluated: 2019-01-25. Review status: criteria provided, single submitter. Criteria: ACMG Guidelines, 2015. Collection method: clinical testing. Allele origin: maternal. Affected: yes.
Comment: This variant was determined to be of uncertain significance according to ACMG Guidelines, 2015 [PMID:25741868].